The following is an entry in ClinVar:

ClinVar aggregate classification (germline): Likely benign (0 of 4 stars; one submission).

Conditions:
CTDSP2-related disorder. Also called: CTDSP2-related condition.

Allele frequency attached by ClinVar (database versions not stated): gnomAD exomes below 0.00001; ExAC 0.00002; gnomAD 0.00005; TOPMed 0.00007; ESP Exome Variant Server 0.00008.

Submission:

PreventionGenetics, part of Exact Sciences
Classification: Likely benign for CTDSP2-related condition. Last evaluated: 2020-11-06. Review status: no assertion criteria provided. Collection method: clinical testing. Allele origin: germline.
Comment: This variant is classified as likely benign based on ACMG/AMP sequence variant interpretation guidelines (Richards et al. 2015 PMID: 25741868, with internal and published modifications).

NM_005730.4(CTDSP2):c.786C>T (p.Tyr262=)

Gene: CTDSP2 (CTD small phosphatase 2; minus strand). Cytogenetic location: 12q14.1.
Variant type: single nucleotide variant.
Coding change: c.786C>T on transcript NM_005730.4 (MANE Select); coding-DNA position 786, C replaced by T.
Protein change: p.Tyr262=; no amino-acid change (tyrosine 262 retained).
Molecular consequence: synonymous variant.
Genome position (GRCh38, 1-based): chr12:57,823,632, G>A on the plus strand (C>T on the coding strand, the complement: CTDSP2 is on the minus strand). VCF-style: chr12-57823632-G-A. GRCh37 (hg19) VCF-style: chr12-58217415-G-A.
Identifiers: ClinVar variation 3033573 (VCV003033573.2), dbSNP rs368630482, ClinGen allele CA6660374.